The following is an entry in ClinVar:

ClinVar aggregate classification (germline): Likely benign (1 of 4 stars; one submission).

Submission:

Women's Health and Genetics/Laboratory Corporation of America, LabCorp
Classification: Likely benign. Last evaluated: 2023-10-17. Review status: criteria provided, single submitter. Criteria: LabCorp Variant Classification Summary - May 2015. Collection method: clinical testing. Allele origin: germline.
Comment: Variant summary: NIPBL c.5796C>T alters a non-conserved nucleotide resulting in a synonymous change. Consensus agreement among computation tools predict no significant impact on normal splicing. However, these predictions have yet to be confirmed by functional studies. The variant was absent in 248434 control chromosomes (gnomAD). The available data on variant occurrences in the general population are insufficient to allow any conclusion about variant significance. To our knowledge, no occurrence of c.5796C>T in individuals affected with Cornelia De Lange Syndrome 1 and no experimental evidence demonstrating its impact on protein function have been reported. No submitters have cited clinical-significance assessments for this variant to ClinVar after 2014. Based on the evidence outlined above, the variant was classified as likely benign.

NM_133433.4(NIPBL):c.5796C>T (p.Asn1932=)

Gene: NIPBL (NIPBL cohesin loading factor; plus strand). Cytogenetic location: 5p13.2.
Variant type: single nucleotide variant.
Coding change: c.5796C>T on transcript NM_133433.4 (MANE Select); coding-DNA position 5796, C replaced by T.
Protein change: p.Asn1932=; no amino-acid change (asparagine 1932 retained).
Molecular consequence: synonymous variant.
Genome position (GRCh38, 1-based): chr5:37,026,315, C>T. VCF-style: chr5-37026315-C-T. GRCh37 (hg19) VCF-style: chr5-37026417-C-T.
Other names: c.5796C>T, p.Asn1932= (NM_015384.5).
Identifiers: ClinVar variation 2637788 (VCV002637788.1), dbSNP rs2478382970, ClinGen allele CA443905630.
Genomic context (GRCh38, chr5:37,026,315, plus strand): 5'-ACTCTGGTTTACTCCAACTCCACACAATGACAAAGAAGCAATGACAAGGAAAATTTTAAA[C>T]ATTACCGATGTGGTAAGAAGGACTGGAACAAGGGTGTGGTCACTGTTGATCCAGACCTAA-3'
Protein context (NP_597677.2, residues 1922-1942): DKEAMTRKIL[Asn1932=]ITDVVAACRD